The following is an entry in ClinVar:

ClinVar aggregate classification (germline): Pathogenic (1 of 4 stars; one submission).

Conditions:
Cornelia de Lange syndrome 1 (CDLS1). Also called: Brachmann de Lange syndrome; NIPBL-Related Cornelia de Lange Syndrome; TYPUS DEGENERATIVUS AMSTELODAMENSIS. Identifiers: Orphanet 199, MedGen C4551851, MONDO:0007387, OMIM 122470.

Submission:

Labcorp Genetics (formerly Invitae), Labcorp
Classification: Pathogenic for Cornelia de Lange syndrome 1. Last evaluated: 2025-02-24. Review status: criteria provided, single submitter. Criteria: Invitae Variant Classification Sherloc (09022015). Collection method: clinical testing. Allele origin: germline.
Comment: This sequence change creates a premature translational stop signal (p.Pro1162Leufs*11) in the NIPBL gene. It is expected to result in an absent or disrupted protein product. Loss-of-function variants in NIPBL are known to be pathogenic (PMID: 15318302, 19763162, 23505322, 29995837). This variant is not present in population databases (gnomAD no frequency). This variant has not been reported in the literature in individuals affected with NIPBL-related conditions. ClinVar contains an entry for this variant (Variation ID: 2020255). For these reasons, this variant has been classified as Pathogenic.

Literature cited by the submitters: PubMed 15318302; PubMed 19763162; PubMed 23505322; PubMed 29995837.

NM_133433.4(NIPBL):c.3485del (p.Pro1162fs)

Gene: NIPBL (NIPBL cohesin loading factor; plus strand). Cytogenetic location: 5p13.2.
Variant type: Deletion.
Coding change: c.3485del on transcript NM_133433.4 (MANE Select); coding-DNA position 3485, one base deleted (C; older notation c.3485delC).
Protein change: p.Pro1162fs; shifts the reading frame from proline 1162.
Molecular consequence: frameshift variant.
Genome position (GRCh38, 1-based): chr5:37,000,553, C deleted; the last of 2 consecutive C bases (chr5:37,000,552-37,000,553); deleting either gives the same sequence. VCF-style (leftmost placement, unchanged base first): chr5-37000551-TC-T. GRCh37 (hg19) VCF-style: chr5-37000653-TC-T.
Other names: c.3485del, p.Pro1162fs (NM_015384.5); short protein forms P1162fs.
Identifiers: ClinVar variation 2020255 (VCV002020255.4), dbSNP rs2478079621, ClinGen allele CA2580073205.